The following is an entry in ClinVar:

ClinVar aggregate classification (germline): Uncertain significance (1 of 4 stars; one submission).

Submission:

GeneDx
Classification: Uncertain significance. Last evaluated: 2026-02-10. Review status: criteria provided, single submitter. Criteria: GeneDx Variant Classification Process June 2021. Collection method: clinical testing. Allele origin: germline.
Comment: Not observed at significant frequency in large population cohorts (gnomAD); In silico analysis suggests that this missense variant does not alter protein structure/function; Has not been previously published as pathogenic or benign to our knowledge

NM_001379451.1(BCORL1):c.3188C>T (p.Ala1063Val)

Gene: BCORL1 (BCL6 corepressor like 1; plus strand). Cytogenetic location: Xq26.1.
Variant type: single nucleotide variant.
Coding change: c.3188C>T on transcript NM_001379451.1 (MANE Select); coding-DNA position 3188, C replaced by T.
Protein change: p.Ala1063Val; replaces alanine 1063 with valine.
Molecular consequence: missense variant.
Genome position (GRCh38, 1-based): chrX:130,015,960, C>T. VCF-style: chrX-130015960-C-T. GRCh37 (hg19) VCF-style: chrX-129149936-C-T.
Other names: c.3188C>T, p.Ala1063Val (NM_001184772.3, NM_001379450.1, NM_001441326.1 and 7 more transcripts); short protein forms A1063V.
Identifiers: ClinVar variation 4976592 (VCV004976592.1).